The following is an entry in ClinVar:

ClinVar aggregate classification (germline): Uncertain significance (1 of 4 stars; one submission).

Submission:

Ambry Genetics
Classification: Uncertain significance. Last evaluated: 2022-05-12. Review status: criteria provided, single submitter. Criteria: Ambry Variant Classification Scheme 2023. Collection method: clinical testing. Allele origin: germline.
Comment: The p.E1123Q variant (also known as c.3367G>C), located in coding exon 4 of the ALPK2 gene, results from a G to C substitution at nucleotide position 3367. The glutamic acid at codon 1123 is replaced by glutamine, an amino acid with highly similar properties. This amino acid position is conserved. In addition, this alteration is predicted to be tolerated by in silico analysis. Since supporting evidence is limited at this time, the clinical significance of this alteration remains unclear.

NM_052947.4(ALPK2):c.3367G>C (p.Glu1123Gln)

Gene: ALPK2 (alpha kinase 2; minus strand). Cytogenetic location: 18q21.31.
Variant type: single nucleotide variant.
Coding change: c.3367G>C on transcript NM_052947.4 (MANE Select); coding-DNA position 3367, G replaced by C.
Protein change: p.Glu1123Gln; replaces glutamic acid 1123 with glutamine.
Molecular consequence: missense variant.
Genome position (GRCh38, 1-based): chr18:58,536,820, C>G on the plus strand (G>C on the coding strand, the complement: ALPK2 is on the minus strand). VCF-style: chr18-58536820-C-G. GRCh37 (hg19) VCF-style: chr18-56204052-C-G.
Other names: short protein forms E1123Q.
Identifiers: ClinVar variation 1730670 (VCV001730670.2), dbSNP rs2518876556, ClinGen allele CA402568526.